The following is an entry in ClinVar:

NM_002109.6(HARS1):c.388G>A (p.Asp130Asn)

Gene: HARS1 (histidyl-tRNA synthetase 1; minus strand). Cytogenetic location: 5q31.3.
Variant type: single nucleotide variant.
Coding change: c.388G>A on transcript NM_002109.6 (MANE Select); coding-DNA position 388, G replaced by A.
Protein change: p.Asp130Asn; replaces aspartic acid 130 with asparagine.
Molecular consequence: missense variant. On other transcripts: intron variant (2).
Genome position (GRCh38, 1-based): chr5:140,679,796, C>T on the plus strand (G>A on the coding strand, the complement: HARS1 is on the minus strand). VCF-style: chr5-140679796-C-T. GRCh37 (hg19) VCF-style: chr5-140059381-C-T.
Other names: c.268G>A, p.Asp90Asn (NM_001258040.3, NM_001258042.3); c.388G>A, p.Asp130Asn (NM_001258041.3); c.301G>A, p.Asp101Asn (NM_001289094.2); c.181-1781G>A (NM_001289093.2); c.301-1781G>A (NM_001289092.2); short protein forms D101N, D90N, D130N.
Identifiers: ClinVar variation 2030943 (VCV002030943.4), dbSNP rs2481271435, ClinGen allele CA361257624.

ClinVar aggregate classification (germline): Uncertain significance (1 of 4 stars; one submission).

Conditions:
Usher syndrome type 3B. Also called: USHER SYNDROME, TYPE IIIB. Identifiers: MedGen C3281066, MONDO:0013788, OMIM 614504.

Submission:

Labcorp Genetics (formerly Invitae), Labcorp
Classification: Uncertain significance for Usher syndrome type 3B. Last evaluated: 2022-09-17. Review status: criteria provided, single submitter. Criteria: Invitae Variant Classification Sherloc (09022015). Collection method: clinical testing. Allele origin: germline.
Comment: In summary, the available evidence is currently insufficient to determine the role of this variant in disease. Therefore, it has been classified as a Variant of Uncertain Significance. Advanced modeling of protein sequence and biophysical properties (such as structural, functional, and spatial information, amino acid conservation, physicochemical variation, residue mobility, and thermodynamic stability) performed at Invitae indicates that this missense variant is expected to disrupt HARS protein function. This variant has not been reported in the literature in individuals affected with HARS-related conditions. This variant is not present in population databases (gnomAD no frequency). This sequence change replaces aspartic acid, which is acidic and polar, with asparagine, which is neutral and polar, at codon 130 of the HARS protein (p.Asp130Asn).